The following is an entry in ClinVar:

ClinVar aggregate classification (germline): Uncertain significance. Review status: criteria provided, multiple submitters, no conflicts (2 of 4 stars). 4 submissions from 4 submitters: Uncertain significance (4). Last evaluated 2025-11-13.

Conditions:
Pitt-Hopkins-like syndrome 2 (PTHSL2). Identifiers: Orphanet 221150, Orphanet 600663, MedGen C3280479, MONDO:0013690, OMIM 614325.
NRXN1-related disorder.

Submissions (4):

Labcorp Genetics (formerly Invitae), Labcorp
Classification: Uncertain significance for Pitt-Hopkins-like syndrome 2. Last evaluated: 2025-11-13. Review status: criteria provided, single submitter. Criteria: Invitae Variant Classification Sherloc (09022015). Collection method: clinical testing. Allele origin: germline.
Comment: This variant, c.656_664del, results in the deletion of 3 amino acid(s) of the NRXN1 protein (p.Ala219_Glu221del), but otherwise preserves the integrity of the reading frame. This variant is present in population databases (rs546508545, gnomAD 0.01%). This variant has been observed in individual(s) with NRXN1-related conditions (internal data). In at least one individual the data is consistent with being in trans (on the opposite chromosome) from a pathogenic variant. ClinVar contains an entry for this variant (Variation ID: 452464). Experimental studies and prediction algorithms are not available or were not evaluated, and the functional significance of this variant is currently unknown. In summary, the available evidence is currently insufficient to determine the role of this variant in disease. Therefore, it has been classified as a Variant of Uncertain Significance.

GeneDx
Classification: Uncertain significance. Last evaluated: 2023-05-24. Review status: criteria provided, single submitter. Criteria: GeneDx Variant Classification Process June 2021. Collection method: clinical testing. Allele origin: germline. Affected: yes.
Comment: Identified in one individual with non-syndromic intellectual disability and was paternally inherited, however, no additional information was provided (Gauthier et al., 2011); In silico analysis supports that this variant does not alter protein structure/function; In-frame deletion of 3 amino acids in a non-repeat region; This variant is associated with the following publications: (PMID: 21424692)

PreventionGenetics, part of Exact Sciences
Classification: Uncertain significance for NRXN1-related condition. Last evaluated: 2023-03-14. Review status: criteria provided, single submitter. Criteria: ACMG Guidelines, 2015. Collection method: clinical testing. Allele origin: germline.
Comment: The NRXN1 c.656_664del9 variant is predicted to result in an in-frame deletion (p.Ala219_Glu221del). To our knowledge, this variant has not been reported in the literature. This variant is reported in 0.011% of alleles in individuals of European (Non-Finnish) descent in gnomAD. At this time, the clinical significance of this variant is uncertain due to the absence of conclusive functional and genetic evidence.

Mayo Clinic Laboratories, Mayo Clinic
Classification: Uncertain significance. Last evaluated: 2016-09-30. Review status: criteria provided, single submitter. Criteria: ACMG Guidelines, 2015. Collection method: clinical testing. Allele origin: maternal.

NM_001330078.2(NRXN1):c.656_664del (p.Ala219_Glu221del)

Gene: NRXN1 (neurexin 1; minus strand). Cytogenetic location: 2p16.3.
Variant type: Deletion.
Coding change: c.656_664del on transcript NM_001330078.2 (MANE Select); coding-DNA positions 656 to 664, 9 bases deleted (CGGGCGAGG; older notation c.656_664delCGGGCGAGG).
Protein change: p.Ala219_Glu221del.
Molecular consequence: inframe deletion.
Genome position (GRCh38, 1-based): chr2:51,027,610-51,027,618, CCTCGCCCG deleted on the plus strand (CGGGCGAGG on the coding strand, the reverse complement: NRXN1 is on the minus strand); deleting any 9 consecutive bases within chr2:51,027,610-51,027,624 gives the same sequence; the c. name uses the placement nearest the transcript's 3' end. VCF-style (leftmost placement, unchanged base first): chr2-51027609-TCCTCGCCCG-T. GRCh37 (hg19) VCF-style: chr2-51254747-TCCTCGCCCG-T.
Other names: c.656_664delCGGGCGAGG (NM_001135659.1); c.656_664del, p.Ala219_Glu221del (NM_001135659.3, NM_001330077.2, NM_001330079.2 and 15 more transcripts); c.656_664del9 (NM_001135659.2); c.656_664del (NM_001135659.1).
Identifiers: ClinVar variation 452464 (VCV000452464.14), dbSNP rs546508545, ClinGen allele CA1655437.
Genomic context (GRCh38, chr2:51,027,609, plus strand): 5'-ACGGCCTGGTCGTCCACCACGGAGCACACACCTCCGTTGAGGCACACCCCGCCCTCGCCC[TCCTCGCCCG>T]CCTCGCACGGGCTTCCCCCGCCGCTGTTGGGCGGCTCATCGTCCAGCTTCACCTCGCCGC-3'